The following is an entry in ClinVar:

ClinVar aggregate classification (germline): Likely benign. Review status: criteria provided, single submitter (1 of 4 stars). 2 submissions from 2 submitters: Likely benign (1). 1 of the submissions does not count toward it. Last evaluated 2025-10-25.

Conditions:
PCNT-related disorder. Also called: PCNT-related condition.

Allele frequency attached by ClinVar (database versions not stated): TOPMed below 0.00001; gnomAD exomes 0.00002.
gnomAD v4.1: 28 of 1,614,190 alleles (0.0017%); highest among the groups gnomAD compares: Non-Finnish European, 0.0022%; no homozygotes.

Submissions (2):

Labcorp Genetics (formerly Invitae), Labcorp
Classification: Likely benign. Last evaluated: 2025-10-25. Review status: criteria provided, single submitter. Criteria: Invitae Variant Classification Sherloc (09022015). Collection method: clinical testing. Allele origin: germline.

PreventionGenetics, part of Exact Sciences
Classification: Likely benign for PCNT-related condition. Last evaluated: 2024-06-28. Review status: no assertion criteria provided. Collection method: clinical testing. Allele origin: germline. Not counted in ClinVar's aggregate classification.
Comment: This variant is classified as likely benign based on ACMG/AMP sequence variant interpretation guidelines (Richards et al. 2015 PMID: 25741868, with internal and published modifications).

NM_006031.6(PCNT):c.3036G>A (p.Leu1012=)

Gene: PCNT (pericentrin; plus strand). Cytogenetic location: 21q22.3.
Variant type: single nucleotide variant.
Coding change: c.3036G>A on transcript NM_006031.6 (MANE Select); coding-DNA position 3036, G replaced by A.
Protein change: p.Leu1012=; no amino-acid change (leucine 1012 retained).
Molecular consequence: synonymous variant.
Genome position (GRCh38, 1-based): chr21:46,367,010, G>A. VCF-style: chr21-46367010-G-A. GRCh37 (hg19) VCF-style: chr21-47786925-G-A.
Other names: c.3036G>A (NM_006031.5); c.2682G>A, p.Leu894= (NM_001315529.2).
Identifiers: ClinVar variation 2903557 (VCV002903557.4), dbSNP rs966557817, ClinGen allele CA322005901.